The following is an entry in ClinVar:

NM_006918.5(SC5D):c.544A>G (p.Ile182Val)

Gene: SC5D (sterol-C5-desaturase; plus strand). Cytogenetic location: 11q24.1.
Variant type: single nucleotide variant.
Coding change: c.544A>G on transcript NM_006918.5 (MANE Select); coding-DNA position 544, A replaced by G.
Protein change: p.Ile182Val; replaces isoleucine 182 with valine.
Molecular consequence: missense variant.
Genome position (GRCh38, 1-based): chr11:121,307,156, A>G. VCF-style: chr11-121307156-A-G. GRCh37 (hg19) VCF-style: chr11-121177865-A-G.
Other names: c.544A>G, p.Ile182Val (NM_001024956.3); short protein forms I182V.
Identifiers: ClinVar variation 733321 (VCV000733321.13), dbSNP rs144180704, ClinGen allele CA6328193.
Genomic context (GRCh38, chr11:121,307,156, plus strand): 5'-CCATTTGCAAGTCATGCTTTTCACCCTATTGATGGCTTTCTTCAGAGTCTACCTTACCAT[A>G]TATACCCTTTTATCTTTCCATTACACAAGGTGGTTTATTTAAGTCTGTACATCTTGGTTA-3'
Protein context (NP_008849.2, residues 172-192): DGFLQSLPYH[Ile182Val]YPFIFPLHKV

ClinVar aggregate classification (germline): Benign. Review status: criteria provided, multiple submitters, no conflicts (2 of 4 stars). 2 submissions from 2 submitters: Benign (2). Last evaluated 2026-02-01.

Conditions:
Lathosterolosis. Also called: SC5D DEFICIENCY; STEROL C5-DESATURASE DEFICIENCY. Identifiers: Orphanet 46059, MedGen C1846421, MONDO:0011816, OMIM 607330.

Allele frequency attached by ClinVar (database versions not stated): gnomAD 0.00116 and 0.00114; gnomAD exomes 0.00156 and 0.00057; ExAC 0.00172; TOPMed 0.00026; 1000 Genomes Project 30x 0.00031; ESP Exome Variant Server 0.00038; 1000 Genomes Project 0.00040.

Submissions (2):

Labcorp Genetics (formerly Invitae), Labcorp
Classification: Benign. Last evaluated: 2026-02-01. Review status: criteria provided, single submitter. Criteria: Invitae Variant Classification Sherloc (09022015). Collection method: clinical testing. Allele origin: germline.

Illumina Laboratory Services, Illumina
Classification: Benign for Lathosterolosis. Last evaluated: 2017-04-27. Review status: criteria provided, single submitter. Criteria: ICSL Variant Classification Criteria 13 December 2019. Collection method: clinical testing. Allele origin: germline.
Comment: This variant was observed as part of a predisposition screen in an ostensibly healthy population. A literature search was performed for the gene, cDNA change, and amino acid change (where applicable). No publications were found based on this search. Allele frequency data from public databases was too high to be consistent with this variant causing disease. Therefore, this variant is classified as benign.